The following is an entry in ClinVar:

NM_007294.4(BRCA1):c.4951T>A (p.Ser1651Thr)

Gene: BRCA1 (BRCA1 DNA repair associated; minus strand). Cytogenetic location: 17q21.31.
Variant type: single nucleotide variant.
Coding change: c.4951T>A on transcript NM_007294.4 (MANE Select); coding-DNA position 4951, T replaced by A.
Protein change: p.Ser1651Thr; replaces serine 1651 with threonine.
Molecular consequence: missense variant. On other transcripts: non-coding transcript variant (1).
Genome position (GRCh38, 1-based): chr17:43,070,963, A>T on the plus strand (T>A on the coding strand, the complement: BRCA1 is on the minus strand). VCF-style: chr17-43070963-A-T. GRCh37 (hg19) VCF-style: chr17-41222980-A-T.
Other names: c.4738T>A, p.Ser1580Thr (NM_001407571.1, NM_001407894.1, NM_001407895.1 and 12 more transcripts); c.5017T>A, p.Ser1673Thr (NM_001407581.1, NM_001407582.1); c.5014T>A, p.Ser1672Thr (NM_001407583.1, NM_001407585.1, NM_001407587.1 and 1 more transcripts); c.5011T>A, p.Ser1671Thr (NM_001407590.1, NM_001407591.1); c.4951T>A, p.Ser1651Thr (NM_001407593.1, NM_001407594.1, NM_001407596.1 and 8 more transcripts); c.4948T>A, p.Ser1650Thr (NM_001407619.1, NM_001407620.1, NM_001407621.1 and 17 more transcripts); c.4945T>A, p.Ser1649Thr (NM_001407627.1, NM_001407638.1, NM_001407639.1 and 14 more transcripts); c.4942T>A, p.Ser1648Thr (NM_001407644.1, NM_001407645.1); and 70 more; short protein forms S1672T, S547T, S1604T, S1651T, S1539T, S1562T, S1610T, S1623T.
Identifiers: ClinVar variation 865718 (VCV000865718.3), dbSNP rs879254042, ClinGen allele CA10591620.

Conditions:
Breast-ovarian cancer, familial, susceptibility to, 1 (BROVCA1). Also called: BRCA1 Hereditary Breast and Ovarian Cancer; OVARIAN CANCER, SUSCEPTIBILITY TO. Identifiers: Orphanet 145, MedGen C2676676, MONDO:0011450, OMIM 604370. Disease mechanism: loss of function.

Submission:

Brotman Baty Institute, University of Washington
No classification provided (evidence only). Condition: Breast-ovarian cancer, familial 1. Review status: no classification provided. Collection method: in vitro. Allele origin: not applicable. Functional consequence: functionally_normal.
ClinVar note: "not provided" was previously submitted as the classification for the variant. However, the classification appeared to be based only on an observation of functional data so it was converted to no classification on 2025-07-30.